The following is an entry in ClinVar:

ClinVar aggregate classification (germline): Likely benign. Review status: criteria provided, multiple submitters, no conflicts (2 of 4 stars). 3 submissions from 3 submitters: Likely benign (2). 1 of the submissions does not count toward it. Last evaluated 2025-10-11.

Conditions:
TNFRSF6B-related disorder. Also called: TNFRSF6B-related condition.

Allele frequency attached by ClinVar (database versions not stated): gnomAD 0.00011; gnomAD exomes 0.00007; ExAC 0.00008; ESP Exome Variant Server 0.00008; TOPMed 0.00018.

Submissions (3):

Labcorp Genetics (formerly Invitae), Labcorp
Classification: Likely benign. Last evaluated: 2025-10-11. Review status: criteria provided, single submitter. Criteria: Invitae Variant Classification Sherloc (09022015). Collection method: clinical testing. Allele origin: germline.

Breakthrough Genomics
Classification: Likely benign. Review status: criteria provided, single submitter. Criteria: ACMG Guidelines, 2015. Collection method: not provided. Allele origin: germline. Inheritance: Unknown mechanism. Affected: yes.

PreventionGenetics, part of Exact Sciences
Classification: Likely benign for TNFRSF6B-related condition. Last evaluated: 2024-02-01. Review status: no assertion criteria provided. Collection method: clinical testing. Allele origin: germline. Not counted in ClinVar's aggregate classification.
Comment: This variant is classified as likely benign based on ACMG/AMP sequence variant interpretation guidelines (Richards et al. 2015 PMID: 25741868, with internal and published modifications).

NM_003823.4(TNFRSF6B):c.351C>T (p.Thr117=)

Genes: RTEL1-TNFRSF6B (RTEL1-TNFRSF6B readthrough (NMD candidate); plus strand), TNFRSF6B (TNF receptor superfamily member 6b; plus strand). Cytogenetic location: 20q13.33.
Variant type: single nucleotide variant.
Coding change: c.351C>T on transcript NM_003823.4 (MANE Select); coding-DNA position 351, C replaced by T.
Protein change: p.Thr117=; no amino-acid change (threonine 117 retained).
Molecular consequence: synonymous variant. On other transcripts: non-coding transcript variant (1).
Genome position (GRCh38, 1-based): chr20:63,697,118, C>T. VCF-style: chr20-63697118-C-T. GRCh37 (hg19) VCF-style: chr20-62328471-C-T.
Other names: c.351C>T (NM_003823.3).
Identifiers: ClinVar variation 1672789 (VCV001672789.10), dbSNP rs370197534, ClinGen allele CA9966418.